The following is an entry in ClinVar:

NM_002661.5(PLCG2):c.1343G>A (p.Arg448Gln)

Gene: PLCG2 (phospholipase C gamma 2; plus strand). Cytogenetic location: 16q23.3.
Variant type: single nucleotide variant.
Coding change: c.1343G>A on transcript NM_002661.5 (MANE Select); coding-DNA position 1343, G replaced by A.
Protein change: p.Arg448Gln; replaces arginine 448 with glutamine.
Molecular consequence: missense variant.
Genome position (GRCh38, 1-based): chr16:81,900,761, G>A. VCF-style: chr16-81900761-G-A. GRCh37 (hg19) VCF-style: chr16-81934366-G-A.
Other names: short protein forms R448Q.
Identifiers: ClinVar variation 1402706 (VCV001402706.7), dbSNP rs772575043, ClinGen allele CA8193695.
Genomic context (GRCh38, chr16:81,900,761, plus strand): 5'-TGCTGTTGACGAAGCCCACGGAGGCCAGTGCTGACCAGCTGCCCTCGCCCAGCCAGCTGC[G>A]GGAGAAGATCATCATCAAGGTAGGCACCCCGGGTGCTGCTGTTGGCTGTCCAGGGAGCCC-3'
Protein context (NP_002652.2, residues 438-458): ADQLPSPSQL[Arg448Gln]EKIIIKHKKL

ClinVar aggregate classification (germline): Uncertain significance (1 of 4 stars; one submission).

Conditions:
Familial cold autoinflammatory syndrome 3 (FCAS3). Also called: FAMILIAL ATYPICAL COLD URTICARIA; ANTIBODY DEFICIENCY AND IMMUNE DYSREGULATION, PLCG2-ASSOCIATED. Identifiers: Orphanet 300359, MedGen C3280914, MONDO:0013766, OMIM 614468.

Allele frequency attached by ClinVar (database versions not stated): gnomAD 0.00002; TOPMed 0.00002; ExAC 0.00003; gnomAD exomes 0.00003.
gnomAD v4.1: 15 of 1,601,172 alleles (0.00094%); highest among the groups gnomAD compares: East Asian, 0.0045%; no homozygotes.

Submission:

Labcorp Genetics (formerly Invitae), Labcorp
Classification: Uncertain significance for Familial cold autoinflammatory syndrome 3. Last evaluated: 2024-01-01. Review status: criteria provided, single submitter. Criteria: Invitae Variant Classification Sherloc (09022015). Collection method: clinical testing. Allele origin: germline.
Comment: This sequence change replaces arginine, which is basic and polar, with glutamine, which is neutral and polar, at codon 448 of the PLCG2 protein (p.Arg448Gln). This variant is present in population databases (rs772575043, gnomAD 0.02%). This variant has not been reported in the literature in individuals affected with PLCG2-related conditions. ClinVar contains an entry for this variant (Variation ID: 1402706). An algorithm developed to predict the effect of missense changes on protein structure and function (PolyPhen-2) suggests that this variant is likely to be tolerated. In summary, the available evidence is currently insufficient to determine the role of this variant in disease. Therefore, it has been classified as a Variant of Uncertain Significance.